The following is an entry in ClinVar:

NM_001010874.5(TECRL):c.403A>G (p.Thr135Ala)

Gene: TECRL (trans-2,3-enoyl-CoA reductase like; minus strand). Cytogenetic location: 4q13.1.
Variant type: single nucleotide variant.
Coding change: c.403A>G on transcript NM_001010874.5 (MANE Select); coding-DNA position 403, A replaced by G.
Protein change: p.Thr135Ala; replaces threonine 135 with alanine.
Molecular consequence: missense variant.
Genome position (GRCh38, 1-based): chr4:64,322,721, T>C on the plus strand (A>G on the coding strand, the complement: TECRL is on the minus strand). VCF-style: chr4-64322721-T-C. GRCh37 (hg19) VCF-style: chr4-65188439-T-C.
Other names: c.403A>G, p.Thr135Ala (NM_001363796.1); short protein forms T135A.
Identifiers: ClinVar variation 1737264 (VCV001737264.4), dbSNP rs147211586, ClinGen allele CA2935561.

ClinVar aggregate classification (germline): Uncertain significance. Review status: criteria provided, multiple submitters, no conflicts (2 of 4 stars). 2 submissions from 2 submitters: Uncertain significance (2). Last evaluated 2024-10-08.

Conditions:
Cardiovascular phenotype. Identifiers: MedGen CN230736.

Allele frequency attached by ClinVar (database versions not stated): gnomAD exomes 0.00002; ExAC 0.00005; ESP Exome Variant Server 0.00015; gnomAD 0.00019; TOPMed 0.00020; 1000 Genomes Project 30x 0.00031; 1000 Genomes Project 0.00040.
gnomAD v4.1: 54 of 1,612,248 alleles (0.0033%); highest among the groups gnomAD compares: African/African-American, 0.063%; no homozygotes.

Submissions (2):

GeneDx
Classification: Uncertain significance. Last evaluated: 2024-10-08. Review status: criteria provided, single submitter. Criteria: GeneDx Variant Classification Process June 2021. Collection method: clinical testing. Allele origin: germline. Affected: yes.
Comment: In silico analysis supports that this missense variant does not alter protein structure/function; Has not been previously published as pathogenic or benign to our knowledge

Ambry Genetics
Classification: Uncertain significance for Cardiovascular phenotype. Last evaluated: 2024-06-26. Review status: criteria provided, single submitter. Criteria: Ambry Variant Classification Scheme 2023. Collection method: clinical testing. Allele origin: germline.
Comment: The p.T135A variant (also known as c.403A>G), located in coding exon 4 of the TECRL gene, results from an A to G substitution at nucleotide position 403. The threonine at codon 135 is replaced by alanine, an amino acid with similar properties. This amino acid position is highly conserved in available vertebrate species. In addition, this alteration is predicted to be tolerated by in silico analysis. Since supporting evidence is limited at this time, the clinical significance of this alteration remains unclear.